The following is an entry in ClinVar:

ClinVar aggregate classification (germline): Likely benign (1 of 4 stars; one submission).

Allele frequency attached by ClinVar (database versions not stated): 1000 Genomes Project 0.00100; 1000 Genomes Project 30x 0.00109; gnomAD 0.00128; ESP Exome Variant Server 0.00131; TOPMed 0.00136; gnomAD exomes 0.00178; ExAC 0.00180.
gnomAD v4.1: 2,818 of 1,610,084 alleles (0.18%); highest among the groups gnomAD compares: Middle Eastern, 0.26%; 9 homozygotes.

Submission:

CeGaT Center for Human Genetics Tuebingen
Classification: Likely benign. Last evaluated: 2022-07-01. Review status: criteria provided, single submitter. Criteria: CeGaT Center For Human Genetics Tuebingen Variant Classification Criteria Version 2. Collection method: clinical testing. Allele origin: germline. Affected: yes. Observed: 1 variant allele.
Comment: TBC1D16: BP4, BP7

NM_019020.4(TBC1D16):c.1965C>T (p.Asp655=)

Gene: TBC1D16 (TBC1 domain family member 16; minus strand). Cytogenetic location: 17q25.3.
Variant type: single nucleotide variant.
Coding change: c.1965C>T on transcript NM_019020.4 (MANE Select); coding-DNA position 1965, C replaced by T.
Protein change: p.Asp655=; no amino-acid change (aspartic acid 655 retained).
Molecular consequence: synonymous variant.
Genome position (GRCh38, 1-based): chr17:79,942,150, G>A on the plus strand (C>T on the coding strand, the complement: TBC1D16 is on the minus strand). VCF-style: chr17-79942150-G-A. GRCh37 (hg19) VCF-style: chr17-77915949-G-A.
Other names: c.840C>T, p.Asp280= (NM_001271844.2); c.879C>T, p.Asp293= (NM_001271845.2).
Identifiers: ClinVar variation 2648391 (VCV002648391.24), dbSNP rs144060365, ClinGen allele CA8812586.